The following is an entry in ClinVar:

ClinVar aggregate classification (germline): Conflicting classifications of pathogenicity. Review status: criteria provided, conflicting classifications (1 of 4 stars). 18 submissions from 17 submitters: Uncertain significance (1); Benign (4); Likely benign (8). 5 of the submissions do not count toward it. Last evaluated 2026-02-03.

Conditions:
Cardiovascular phenotype. Identifiers: MedGen CN230736.
Dilated cardiomyopathy 1HH (CMD1HH). Identifiers: Orphanet 154, MedGen C3151293, MONDO:0013479, OMIM 613881.
Myofibrillar myopathy 6. Identifiers: Orphanet 199340, MedGen C2751831, MONDO:0013061, OMIM 612954.
Cardiomyopathy (CMYO). Also called: Cardiomyopathies. Identifiers: Orphanet 167848, MedGen C0878544, MONDO:0004994, HP:0001638. Inheritance: Various modes of inheritance.

Allele frequency attached by ClinVar (database versions not stated): gnomAD 0.00037 and 0.00040; gnomAD exomes 0.00048 and 0.00073; TOPMed 0.00049; ExAC 0.00069; ESP Exome Variant Server 0.00115.
gnomAD v4.1: 1,109 of 1,613,762 alleles (0.069%); highest among the groups gnomAD compares: Non-Finnish European, 0.083%; 3 homozygotes.

Submissions (18):

Labcorp Genetics (formerly Invitae), Labcorp
Classification: Benign for Dilated cardiomyopathy 1HH; Myofibrillar myopathy 6. Last evaluated: 2026-02-03. Review status: criteria provided, single submitter. Criteria: Invitae Variant Classification Sherloc (09022015). Collection method: clinical testing. Allele origin: germline.

Mayo Clinic Laboratories, Mayo Clinic
Classification: Likely benign. Last evaluated: 2025-04-22. Review status: criteria provided, single submitter. Criteria: ACMG Guidelines, 2015. Collection method: clinical testing. Allele origin: germline. Observed: 1 variant allele.
Comment: BS1, BP4, BP7

Blueprint Genetics
Classification: Likely benign. Last evaluated: 2024-10-30. Review status: criteria provided, single submitter. Criteria: ACMG Guidelines, 2015. Collection method: clinical testing. Allele origin: germline.

CHEO Genetics Diagnostic Laboratory, Children's Hospital of Eastern Ontario
Classification: Likely benign for Cardiomyopathy. Last evaluated: 2023-03-24. Review status: criteria provided, single submitter. Criteria: ACMG Guidelines, 2015. Collection method: clinical testing. Allele origin: germline.

Women's Health and Genetics/Laboratory Corporation of America, LabCorp
Classification: Benign. Last evaluated: 2022-07-18. Review status: criteria provided, single submitter. Criteria: LabCorp Variant Classification Summary - May 2015. Collection method: clinical testing. Allele origin: germline.

CeGaT Center for Human Genetics Tuebingen
Classification: Likely benign. Last evaluated: 2022-03-01. Review status: criteria provided, single submitter. Criteria: CeGaT Center For Human Genetics Tuebingen Variant Classification Criteria Version 2. Collection method: clinical testing. Allele origin: germline. Affected: yes. Observed: 1 variant allele.
Comment: BAG3: BP4, BP7

ARUP Laboratories, Molecular Genetics and Genomics, ARUP Laboratories
Classification: Likely benign. Last evaluated: 2020-05-07. Review status: criteria provided, single submitter. Criteria: ARUP Molecular Germline Variant Investigation Process. Collection method: clinical testing. Allele origin: germline.

Illumina Laboratory Services, Illumina
Classification: Benign for Myofibrillar myopathy 6. Last evaluated: 2018-01-12. Review status: criteria provided, single submitter. Criteria: ICSL Variant Classification Criteria 13 December 2019. Collection method: clinical testing. Allele origin: germline.
Comment: This variant was observed in the ICSL laboratory as part of a predisposition screen in an ostensibly healthy population. It had not been previously curated by ICSL or reported in the Human Gene Mutation Database (HGMD: prior to June 1st, 2018), and was therefore a candidate for classification through an automated scoring system. Utilizing variant allele frequency, disease prevalence and penetrance estimates, and inheritance mode, an automated score was calculated to assess if this variant is too frequent to cause the disease. Based on the score and internal cut-off values, a variant classified as benign is not then subjected to further curation. The score for this variant resulted in a classification of benign for this disease.

Illumina Laboratory Services, Illumina
Classification: Uncertain significance for Dilated cardiomyopathy 1HH. Last evaluated: 2018-01-12. Review status: criteria provided, single submitter. Criteria: ICSL Variant Classification Criteria 13 December 2019. Collection method: clinical testing. Allele origin: germline.

Eurofins Ntd Llc (ga)
Classification: Likely benign. Last evaluated: 2017-01-06. Review status: criteria provided, single submitter. Criteria: EGL Classification Definitions 2015. Collection method: clinical testing. Allele origin: germline. Observed: 1 variant allele, 1 heterozygote.

Ambry Genetics
Classification: Likely benign for Cardiovascular phenotype. Last evaluated: 2016-04-15. Review status: criteria provided, single submitter. Criteria: Ambry Variant Classification Scheme 2023. Collection method: clinical testing. Allele origin: germline.

GeneDx
Classification: Benign. Last evaluated: 2015-04-16. Review status: criteria provided, single submitter. Criteria: GeneDx Variant Classification (06012015). Collection method: clinical testing. Allele origin: germline. Affected: yes.
Comment: This variant is considered likely benign or benign based on one or more of the following criteria: it is a conservative change, it occurs at a poorly conserved position in the protein, it is predicted to be benign by multiple in silico algorithms, and/or has population frequency not consistent with disease.

Laboratory for Molecular Medicine, Mass General Brigham Personalized Medicine
Classification: Likely benign. Last evaluated: 2012-03-19. Review status: criteria provided, single submitter. Criteria: LMM Criteria. Collection method: clinical testing. Allele origin: germline. Observed: 1 variant allele.
Comment: His296His in exon 3 of BAG3: This variant is not expected to have clinical signi ficance because it does not alter an amino acid residue and is not located withi n the splice consensus sequence. It has been identified in 0.1% (9/7018) of Euro pean American chromosomes by the NHLBI Exome Sequencing Project (dbSNP rs139399890). His296His in exon 3 of BAG3 (rs139399890 ; allele frequency = 0.1%, 9/7018) **

Clinical Genetics DNA and cytogenetics Diagnostics Lab, Erasmus MC, Erasmus Medical Center
Classification: Likely benign. Review status: no assertion criteria provided. Collection method: clinical testing. Allele origin: germline. Affected: yes. Study: VKGL Data-share Consensus. Not counted in ClinVar's aggregate classification.

Clinical Genetics, Academic Medical Center
Classification: Benign. Review status: no assertion criteria provided. Collection method: clinical testing. Allele origin: germline. Affected: yes. Study: VKGL Data-share Consensus. Not counted in ClinVar's aggregate classification.

Diagnostic Laboratory, Department of Genetics, University Medical Center Groningen
Classification: Likely benign. Review status: no assertion criteria provided. Collection method: clinical testing. Allele origin: germline. Affected: yes. Study: VKGL Data-share Consensus. Not counted in ClinVar's aggregate classification.

Genome Diagnostics Laboratory, University Medical Center Utrecht
Classification: Likely benign. Review status: no assertion criteria provided. Collection method: clinical testing. Allele origin: germline. Affected: yes. Study: VKGL Data-share Consensus. Not counted in ClinVar's aggregate classification.

Joint Genome Diagnostic Labs from Nijmegen and Maastricht, Radboudumc and MUMC+
Classification: Likely benign. Review status: no assertion criteria provided. Collection method: clinical testing. Allele origin: germline. Affected: yes. Study: VKGL Data-share Consensus. Not counted in ClinVar's aggregate classification.

NM_004281.4(BAG3):c.888C>T (p.His296=)

Gene: BAG3 (BAG cochaperone 3; plus strand). Cytogenetic location: 10q26.11.
Variant type: single nucleotide variant.
Coding change: c.888C>T on transcript NM_004281.4 (MANE Select); coding-DNA position 888, C replaced by T.
Protein change: p.His296=; no amino-acid change (histidine 296 retained).
Molecular consequence: synonymous variant.
Genome position (GRCh38, 1-based): chr10:119,672,635, C>T. VCF-style: chr10-119672635-C-T. GRCh37 (hg19) VCF-style: chr10-121432147-C-T.
Other names: p.His296=.
Identifiers: ClinVar variation 162780 (VCV000162780.66), dbSNP rs139399890, ClinGen allele CA175300.